The following is an entry in ClinVar:

ClinVar aggregate classification (germline): Benign. Review status: criteria provided, multiple submitters, no conflicts (2 of 4 stars). 6 submissions from 6 submitters: Benign (5). 1 of the submissions does not count toward it. Last evaluated 2026-02-04.

Conditions:
Dyskeratosis congenita. Identifiers: Orphanet 1775, MedGen C0265965, MONDO:0015780.
Cerebroretinal microangiopathy with calcifications and cysts 1 (CRMCC1). Identifiers: Orphanet 313838, MedGen C4552029, MONDO:0024564, OMIM 612199.
CTC1-related disorder. Also called: CTC1-related condition.

Allele frequency attached by ClinVar (database versions not stated): ESP Exome Variant Server 0.00074; gnomAD 0.00148 and 0.00237; TOPMed 0.00161; gnomAD exomes 0.00415; ExAC 0.00468; 1000 Genomes Project 30x 0.00734; 1000 Genomes Project 0.00799.
gnomAD v4.1: 3,270 of 1,611,894 alleles (0.2%); highest among the groups gnomAD compares: South Asian, 2.9%; 45 homozygotes.

Submissions (7):

Labcorp Genetics (formerly Invitae), Labcorp
Classification: Benign for Dyskeratosis congenita. Last evaluated: 2026-02-04. Review status: criteria provided, single submitter. Criteria: Invitae Variant Classification Sherloc (09022015). Collection method: clinical testing. Allele origin: germline.

ARUP Laboratories, Molecular Genetics and Genomics, ARUP Laboratories
Classification: Benign for Cerebroretinal microangiopathy with calcifications and cysts 1. Last evaluated: 2024-10-10. Review status: criteria provided, single submitter. Criteria: ARUP Molecular Germline Variant Investigation Process 2024. Collection method: clinical testing. Allele origin: germline.

Genome-Nilou Lab
Classification: Benign for Cerebroretinal microangiopathy with calcifications and cysts 1. Last evaluated: 2021-07-15. Review status: criteria provided, single submitter. Criteria: ACMG Guidelines, 2015. Collection method: clinical testing. Allele origin: germline. Affected: no.

Genetic Services Laboratory, University of Chicago
Classification: Benign. Last evaluated: 2018-10-18. Review status: criteria provided, single submitter. Criteria: ACMG Guidelines, 2015. Collection method: clinical testing. Allele origin: germline. Affected: no.

Illumina Laboratory Services, Illumina
Classification: Benign for Dyskeratosis congenita. Last evaluated: 2018-01-13. Review status: criteria provided, single submitter. Criteria: ICSL Variant Classification Criteria 13 December 2019. Collection method: clinical testing. Allele origin: germline.
Comment: This variant was observed in the ICSL laboratory as part of a predisposition screen in an ostensibly healthy population. It had not been previously curated by ICSL or reported in the Human Gene Mutation Database (HGMD: prior to June 1st, 2018), and was therefore a candidate for classification through an automated scoring system. Utilizing variant allele frequency, disease prevalence and penetrance estimates, and inheritance mode, an automated score was calculated to assess if this variant is too frequent to cause the disease. Based on the score and internal cut-off values, a variant classified as benign is not then subjected to further curation. The score for this variant resulted in a classification of benign for this disease.

PreventionGenetics, part of Exact Sciences
Classification: Benign for CTC1-related condition. Last evaluated: 2019-05-14. Review status: no assertion criteria provided. Collection method: clinical testing. Allele origin: germline. Not counted in ClinVar's aggregate classification.
Comment: This variant is classified as benign based on ACMG/AMP sequence variant interpretation guidelines (Richards et al. 2015 PMID: 25741868, with internal and published modifications).

Dr. Peter K. Rogan Lab, Western University
No classification provided (evidence only). Condition: Clear cell carcinoma of kidney. Review status: no classification provided. Collection method: in vitro. Allele origin: not applicable. Functional consequence: retained intron. Not counted in ClinVar's aggregate classification.

NM_025099.6(CTC1):c.477G>T (p.Leu159=)

Gene: CTC1 (CST telomere replication complex component 1; minus strand). Cytogenetic location: 17p13.1.
Variant type: single nucleotide variant.
Coding change: c.477G>T on transcript NM_025099.6 (MANE Select); coding-DNA position 477, G replaced by T.
Protein change: p.Leu159=; no amino-acid change (leucine 159 retained).
Molecular consequence: synonymous variant. On other transcripts: non-coding transcript variant (1).
Genome position (GRCh38, 1-based): chr17:8,238,201, C>A on the plus strand (G>T on the coding strand, the complement: CTC1 is on the minus strand). VCF-style: chr17-8238201-C-A. GRCh37 (hg19) VCF-style: chr17-8141519-C-A.
Identifiers: ClinVar variation 210796 (VCV000210796.25), dbSNP rs200658590, ClinGen allele CA205855.